The following is an entry in ClinVar:

NM_001220.5(CAMK2B):c.946+131C>G

Gene: CAMK2B (calcium/calmodulin dependent protein kinase II beta; minus strand). Cytogenetic location: 7p13.
Variant type: single nucleotide variant.
Coding change: c.946+131C>G on transcript NM_001220.5 (MANE Select); 131 bases into the intron after coding-DNA position 946, C replaced by G.
Molecular consequence: intron variant.
Genome position (GRCh38, 1-based): chr7:44,240,576, G>C on the plus strand (C>G on the coding strand, the complement: CAMK2B is on the minus strand). VCF-style: chr7-44240576-G-C. GRCh37 (hg19) VCF-style: chr7-44280175-G-C.
Other names: c.946+131C>G (NM_001293170.2, NM_172078.3, NM_172084.3 and 5 more transcripts).
Identifiers: ClinVar variation 5018204 (VCV005018204.1).
Genomic context (GRCh38, chr7:44,240,576, plus strand): 5'-ACCCTGTGGTATCACCCAAGGTGGGAGCCCAGCGGGGCCAGGTGGGCAGTGGGTCTCAGA[G>C]CTGAGGGCAGACGCCGAGGGCAGGCCTGCCGCAGAGGAGGAGTGGAGAGGCTGGTGAGGA-3'

ClinVar aggregate classification (germline): Uncertain significance (1 of 4 stars; one submission).

Submission:

GeneDx
Classification: Uncertain significance. Last evaluated: 2026-04-09. Review status: criteria provided, single submitter. Criteria: GeneDx Variant Classification Process June 2021. Collection method: clinical testing. Allele origin: germline.
Comment: Has not been previously published as pathogenic or benign to our knowledge; No data available from control populations to assess the frequency of this variant; In silico analysis suggests this variant may impact gene splicing. In the absence of RNA/functional studies, the actual effect of this sequence change is unknown.